The following is an entry in ClinVar:

NM_006231.4(POLE):c.4202C>G (p.Ser1401Ter)

Gene: POLE (DNA polymerase epsilon, catalytic subunit; minus strand). Cytogenetic location: 12q24.33.
Variant type: single nucleotide variant.
Coding change: c.4202C>G on transcript NM_006231.4 (MANE Select); coding-DNA position 4202, C replaced by G.
Protein change: p.Ser1401Ter; replaces serine 1401 with a stop codon.
Molecular consequence: nonsense.
Genome position (GRCh38, 1-based): chr12:132,643,925, G>C on the plus strand (C>G on the coding strand, the complement: POLE is on the minus strand). VCF-style: chr12-132643925-G-C. GRCh37 (hg19) VCF-style: chr12-133220511-G-C.
Other names: short protein forms S1401*.
Identifiers: ClinVar variation 949201 (VCV000949201.9), dbSNP rs2042215726, ClinGen allele CA387382282.

ClinVar aggregate classification (germline): Pathogenic (1 of 4 stars; one submission).

Allele frequency attached by ClinVar (database versions not stated): gnomAD 0.00001.
gnomAD v4.1: 1 of 1,613,978 alleles (0.000062%); highest among the groups gnomAD compares: African/African-American, 0.0013%; no homozygotes.

Submission:

Labcorp Genetics (formerly Invitae), Labcorp
Classification: Pathogenic. Last evaluated: 2023-05-07. Review status: criteria provided, single submitter. Criteria: Invitae Variant Classification Sherloc (09022015). Collection method: clinical testing. Allele origin: germline.
Comment: This sequence change creates a premature translational stop signal (p.Ser1401*) in the POLE gene. It is expected to result in an absent or disrupted protein product. Loss-of-function variants in POLE are known to be pathogenic (PMID: 23230001, 25948378, 30503519). This variant is not present in population databases (gnomAD no frequency). This variant has not been reported in the literature in individuals affected with POLE-related conditions. ClinVar contains an entry for this variant (Variation ID: 949201). For these reasons, this variant has been classified as Pathogenic.

Literature cited by the submitters: PubMed 23230001; PubMed 25948378; PubMed 30503519.